The following is an entry in ClinVar:

NM_006329.4(FBLN5):c.32C>T (p.Thr11Ile)

Gene: FBLN5 (fibulin 5; minus strand). Cytogenetic location: 14q32.12.
Variant type: single nucleotide variant.
Coding change: c.32C>T on transcript NM_006329.4 (MANE Select); coding-DNA position 32, C replaced by T.
Protein change: p.Thr11Ile; replaces threonine 11 with isoleucine.
Molecular consequence: missense variant. On other transcripts: 5 prime UTR variant (2).
Genome position (GRCh38, 1-based): chr14:91,942,947, G>A on the plus strand (C>T on the coding strand, the complement: FBLN5 is on the minus strand). VCF-style: chr14-91942947-G-A. GRCh37 (hg19) VCF-style: chr14-92409291-G-A.
Other names: c.32C>T, p.Thr11Ile (NM_001384158.1, NM_001384160.1); c.83C>T, p.Thr28Ile (NM_001384159.1); c.-238C>T (NM_001384161.1, NM_001384162.1); short protein forms T11I, T28I.
Identifiers: ClinVar variation 3652571 (VCV003652571.2).

ClinVar aggregate classification (germline): Uncertain significance (1 of 4 stars; one submission).

gnomAD v4.1: 1 of 1,550,586 alleles (0.000064%); highest among the groups gnomAD compares: Non-Finnish European, 0.000087%; no homozygotes.

Submission:

Labcorp Genetics (formerly Invitae), Labcorp
Classification: Uncertain significance. Last evaluated: 2024-08-13. Review status: criteria provided, single submitter. Criteria: Invitae Variant Classification Sherloc (09022015). Collection method: clinical testing. Allele origin: germline.
Comment: This sequence change replaces threonine, which is neutral and polar, with isoleucine, which is neutral and non-polar, at codon 11 of the FBLN5 protein (p.Thr11Ile). This variant is not present in population databases (gnomAD no frequency). This variant has not been reported in the literature in individuals affected with FBLN5-related conditions. An algorithm developed to predict the effect of missense changes on protein structure and function (PolyPhen-2) suggests that this variant is likely to be tolerated. In summary, the available evidence is currently insufficient to determine the role of this variant in disease. Therefore, it has been classified as a Variant of Uncertain Significance.